The following is an entry in ClinVar:

NM_080680.3(COL11A2):c.3010A>G (p.Asn1004Asp)

Gene: COL11A2 (collagen type XI alpha 2 chain; minus strand). Cytogenetic location: 6p21.32.
Variant type: single nucleotide variant.
Coding change: c.3010A>G on transcript NM_080680.3 (MANE Select); coding-DNA position 3010, A replaced by G.
Protein change: p.Asn1004Asp; replaces asparagine 1004 with aspartic acid.
Molecular consequence: missense variant.
Genome position (GRCh38, 1-based): chr6:33,172,082, T>C on the plus strand (A>G on the coding strand, the complement: COL11A2 is on the minus strand). VCF-style: chr6-33172082-T-C. GRCh37 (hg19) VCF-style: chr6-33139859-T-C.
Other names: c.2689A>G, p.Asn897Asp (NM_080679.3); c.2752A>G, p.Asn918Asp (NM_080681.3); short protein forms N1004D, N897D, N918D.
Identifiers: ClinVar variation 1803613 (VCV001803613.1), dbSNP rs953087303, ClinGen allele CA137067687.

ClinVar aggregate classification (germline): Uncertain significance (1 of 4 stars; one submission).

Allele frequency attached by ClinVar (database versions not stated): gnomAD exomes 0.00001.
gnomAD v4.1: 3 of 1,612,502 alleles (0.00019%); highest among the groups gnomAD compares: Admixed American, 0.005%; no homozygotes.

Submission:

GeneDx
Classification: Uncertain significance. Last evaluated: 2022-12-08. Review status: criteria provided, single submitter. Criteria: GeneDx Variant Classification Process June 2021. Collection method: clinical testing. Allele origin: germline. Affected: yes.
Comment: Not observed at significant frequency in large population cohorts (gnomAD); In silico analysis supports that this missense variant does not alter protein structure/function; Has not been previously published as pathogenic or benign to our knowledge